The following is an entry in ClinVar:

ClinVar aggregate classification (germline): Likely benign (1 of 4 stars; one submission).

Allele frequency attached by ClinVar (database versions not stated): TOPMed 0.00042; 1000 Genomes Project 30x 0.00078; gnomAD 0.00078; gnomAD exomes 0.00094; 1000 Genomes Project 0.00100.
gnomAD v4.1: 974 of 1,037,878 alleles (0.094%); highest among the groups gnomAD compares: East Asian, 1.4%; 3 homozygotes.

Submission:

CeGaT Center for Human Genetics Tuebingen
Classification: Likely benign. Last evaluated: 2024-03-01. Review status: criteria provided, single submitter. Criteria: CeGaT Center For Human Genetics Tuebingen Variant Classification Criteria Version 2. Collection method: clinical testing. Allele origin: germline. Affected: yes. Observed: 3 variant alleles.
Comment: COL2A1: BS1

NM_001844.5(COL2A1):c.1527+72G>A

Gene: COL2A1 (collagen type II alpha 1 chain; minus strand). Cytogenetic location: 12q13.11.
Variant type: single nucleotide variant.
Coding change: c.1527+72G>A on transcript NM_001844.5 (MANE Select); 72 bases into the intron after coding-DNA position 1527, G replaced by A.
Molecular consequence: intron variant.
Genome position (GRCh38, 1-based): chr12:47,986,264, C>T on the plus strand (G>A on the coding strand, the complement: COL2A1 is on the minus strand). VCF-style: chr12-47986264-C-T. GRCh37 (hg19) VCF-style: chr12-48380047-C-T.
Other names: c.1320+72G>A (NM_033150.3).
Identifiers: ClinVar variation 2642925 (VCV002642925.24), dbSNP rs143809736, ClinGen allele CA236527608.